The following is an entry in ClinVar:

NM_000368.5(TSC1):c.2788C>G (p.Leu930Val)

Gene: TSC1 (TSC complex subunit 1; minus strand). Cytogenetic location: 9q34.13.
Variant type: single nucleotide variant.
Coding change: c.2788C>G on transcript NM_000368.5 (MANE Select); coding-DNA position 2788, C replaced by G.
Protein change: p.Leu930Val; replaces leucine 930 with valine.
Molecular consequence: missense variant.
Genome position (GRCh38, 1-based): chr9:132,897,448, G>C on the plus strand (C>G on the coding strand, the complement: TSC1 is on the minus strand). VCF-style: chr9-132897448-G-C. GRCh37 (hg19) VCF-style: chr9-135772835-G-C.
Other names: c.2785C>G, p.Leu929Val (NM_001162426.2, NM_001406597.1, NM_001406598.1 and 2 more transcripts); c.2635C>G, p.Leu879Val (NM_001162427.2, NM_001406610.1); c.2773C>G, p.Leu925Val (NM_001406601.1, NM_001406602.1); c.2770C>G, p.Leu924Val (NM_001406603.1, NM_001406604.1); c.2746C>G, p.Leu916Val (NM_001406605.1, NM_001406606.1, NM_001406607.1); c.2743C>G, p.Leu915Val (NM_001406608.1, NM_001406609.1); c.2422C>G, p.Leu808Val (NM_001406620.1, NM_001406621.1, NM_001406622.1 and 1 more transcripts); c.2383C>G, p.Leu795Val (NM_001406624.1); and 8 more; short protein forms L579V, L612V, L613V, L794V, L795V, L808V, L809V, L864V.
Identifiers: ClinVar variation 1717655 (VCV001717655.5), dbSNP rs1845137545, ClinGen allele CA375369080.

ClinVar aggregate classification (germline): Uncertain significance (1 of 4 stars; one submission).

Conditions:
Tuberous sclerosis 1 (TSC1). Identifiers: Orphanet 805, MedGen C1854465, MONDO:0008612, OMIM 191100.

Submission:

Labcorp Genetics (formerly Invitae), Labcorp
Classification: Uncertain significance for Tuberous sclerosis 1. Last evaluated: 2022-09-02. Review status: criteria provided, single submitter. Criteria: Invitae Variant Classification Sherloc (09022015). Collection method: clinical testing. Allele origin: germline.
Comment: In summary, the available evidence is currently insufficient to determine the role of this variant in disease. Therefore, it has been classified as a Variant of Uncertain Significance. Algorithms developed to predict the effect of missense changes on protein structure and function are either unavailable or do not agree on the potential impact of this missense change (SIFT: "Deleterious"; PolyPhen-2: "Probably Damaging"; Align-GVGD: "Class C0"). This variant has not been reported in the literature in individuals affected with TSC1-related conditions. This variant is not present in population databases (gnomAD no frequency). This sequence change replaces leucine, which is neutral and non-polar, with valine, which is neutral and non-polar, at codon 930 of the TSC1 protein (p.Leu930Val).